The following is an entry in ClinVar:

NM_005633.4(SOS1):c.3391+7A>G

Gene: SOS1 (SOS Ras/Rac guanine nucleotide exchange factor 1; minus strand). Cytogenetic location: 2p22.1.
Variant type: single nucleotide variant.
Coding change: c.3391+7A>G on transcript NM_005633.4 (MANE Select); 7 bases into the intron after coding-DNA position 3391, A replaced by G.
Molecular consequence: intron variant.
Genome position (GRCh38, 1-based): chr2:38,989,263, T>C on the plus strand (A>G on the coding strand, the complement: SOS1 is on the minus strand). VCF-style: chr2-38989263-T-C. GRCh37 (hg19) VCF-style: chr2-39216404-T-C.
Other names: p.?; c.3370+7A>G (NM_001382394.1); c.3347-1672A>G (NM_001382395.1).
Identifiers: ClinVar variation 45362 (VCV000045362.66), dbSNP rs201982464, ClinGen allele CA136138.

ClinVar aggregate classification (germline): Benign. Review status: reviewed by expert panel (3 of 4 stars). 19 submissions from 18 submitters: Benign (1). 18 of the submissions do not count toward it. Last evaluated 2017-04-18.

Conditions:
Noonan syndrome and Noonan-related syndrome. Identifiers: Orphanet 98733, MedGen C5681679, MONDO:0020297.
RASopathy. Also called: rasopathies; Noonan spectrum disorder. Identifiers: Orphanet 536391, MedGen C5555857, MONDO:0021060.
Noonan syndrome 4 (NS4). Also called: NOONAN SYNDROME WITH PIGMENTED VILLONODULAR SYNOVITIS; SOS1-Related Noonan Syndrome. Identifiers: Orphanet 648, MedGen C1853120, MONDO:0012547, OMIM 610733.
Fibromatosis, gingival, 1 (GINGF1). Identifiers: Orphanet 2024, MedGen C4551558, MONDO:0007609, OMIM 135300.

Allele frequency attached by ClinVar (database versions not stated): 1000 Genomes Project 0.00020; ESP Exome Variant Server 0.00038; TOPMed 0.00050; gnomAD 0.00063 and 0.00066; gnomAD exomes 0.00067 and 0.00071; ExAC 0.00079.
gnomAD v4.1: 1,051 of 1,585,362 alleles (0.066%); highest among the groups gnomAD compares: South Asian, 0.24%; 1 homozygote.

Submissions (19):

ClinGen RASopathy Variant Curation Expert Panel
Classification: Benign for Noonan syndrome and Noonan-related syndrome. Last evaluated: 2017-04-18. Review status: reviewed by expert panel. Criteria: ClinGen RASopathy ACMG Specifications v1. Collection method: curation. Allele origin: germline. Inheritance: Autosomal dominant inheritance.
Comment: The filtering allele frequency of the c.3391+7A>G variant in the SOS1 gene is 0.193% (41/16108) of South Asian chromosomes by the Exome Aggregation Consortium, which is a high enough frequency to be classified as benign based on thresholds defined by the ClinGen RASopathy Expert Panel (BA1; PMID:29493581)

CeGaT Center for Human Genetics Tuebingen
Classification: Likely benign. Last evaluated: 2026-03-01. Review status: criteria provided, single submitter. Criteria: CeGaT Center For Human Genetics Tuebingen Variant Classification Criteria Version 2. Collection method: clinical testing. Allele origin: germline. Affected: yes. Observed: 9 variant alleles. Not counted in ClinVar's aggregate classification.
Comment: SOS1: BS1

Labcorp Genetics (formerly Invitae), Labcorp
Classification: Benign for RASopathy. Last evaluated: 2026-01-27. Review status: criteria provided, single submitter. Criteria: Invitae Variant Classification Sherloc (09022015). Collection method: clinical testing. Allele origin: germline. Not counted in ClinVar's aggregate classification.

Mayo Clinic Laboratories, Mayo Clinic
Classification: Benign. Last evaluated: 2025-03-31. Review status: criteria provided, single submitter. Criteria: ACMG Guidelines, 2015. Collection method: clinical testing. Allele origin: germline. Observed: 2 variant alleles. Not counted in ClinVar's aggregate classification.
Comment: BA1

Laboratory of Genetics, Children's Clinical University Hospital Latvia
Classification: Benign. Last evaluated: 2025-02-16. Review status: criteria provided, single submitter. Criteria: ACMG Guidelines, 2015. Collection method: clinical testing. Allele origin: germline. Affected: yes. Not counted in ClinVar's aggregate classification.

Blueprint Genetics
Classification: Likely benign. Last evaluated: 2024-11-11. Review status: criteria provided, single submitter. Criteria: ACMG Guidelines, 2015. Collection method: clinical testing. Allele origin: germline. Not counted in ClinVar's aggregate classification.

ARUP Laboratories, Molecular Genetics and Genomics, ARUP Laboratories
Classification: Likely benign. Last evaluated: 2023-10-23. Review status: criteria provided, single submitter. Criteria: ARUP Molecular Germline Variant Investigation Process 2024. Collection method: clinical testing. Allele origin: germline. Not counted in ClinVar's aggregate classification.

Genome Diagnostics Laboratory, The Hospital for Sick Children
Classification: Likely benign for Noonan syndrome and Noonan-related syndrome. Last evaluated: 2021-06-01. Review status: criteria provided, single submitter. Criteria: ACMG Guidelines, 2015. Collection method: clinical testing. Allele origin: germline. Not counted in ClinVar's aggregate classification.

Genetic Services Laboratory, University of Chicago
Classification: Benign. Last evaluated: 2019-05-14. Review status: criteria provided, single submitter. Criteria: ACMG Guidelines, 2015. Collection method: clinical testing. Allele origin: germline. Affected: no. Not counted in ClinVar's aggregate classification.

Illumina Laboratory Services, Illumina
Classification: Likely benign for Noonan syndrome 4. Last evaluated: 2018-01-13. Review status: criteria provided, single submitter. Criteria: ICSL Variant Classification Criteria 13 December 2019. Collection method: clinical testing. Allele origin: germline. Not counted in ClinVar's aggregate classification.
Comment: This variant was observed in the ICSL laboratory as part of a predisposition screen in an ostensibly healthy population. It had not been previously curated by ICSL or reported in the Human Gene Mutation Database (HGMD: prior to June 1st, 2018), and was therefore a candidate for classification through an automated scoring system. Utilizing variant allele frequency, disease prevalence and penetrance estimates, and inheritance mode, an automated score was calculated to assess if this variant is too frequent to cause the disease. Based on the score and internal cut-off values, a variant classified as likely benign is not then subjected to further curation. The score for this variant resulted in a classification of likely benign for this disease.

Illumina Laboratory Services, Illumina
Classification: Benign for Fibromatosis, gingival, 1. Last evaluated: 2018-01-13. Review status: criteria provided, single submitter. Criteria: ICSL Variant Classification Criteria 13 December 2019. Collection method: clinical testing. Allele origin: germline. Not counted in ClinVar's aggregate classification.
Comment: This variant was observed in the ICSL laboratory as part of a predisposition screen in an ostensibly healthy population. It had not been previously curated by ICSL or reported in the Human Gene Mutation Database (HGMD: prior to June 1st, 2018), and was therefore a candidate for classification through an automated scoring system. Utilizing variant allele frequency, disease prevalence and penetrance estimates, and inheritance mode, an automated score was calculated to assess if this variant is too frequent to cause the disease. Based on the score and internal cut-off values, a variant classified as benign is not then subjected to further curation. The score for this variant resulted in a classification of benign for this disease.

Women's Health and Genetics/Laboratory Corporation of America, LabCorp
Classification: Benign. Last evaluated: 2017-07-24. Review status: criteria provided, single submitter. Criteria: LabCorp Variant Classification Summary - May 2015. Collection method: clinical testing. Allele origin: germline. Not counted in ClinVar's aggregate classification.
Comment: Variant summary: The SOS1 c.3391+7A>G variant involves the alteration of a conserved intronic nucleotide. One in silico tool predicts a damaging outcome for this variant. 5/5 splice prediction tools predict no significant impact on normal splicing. However, these predictions have yet to be confirmed by functional studies. This variant was found in 94/118614 control chromosomes (1 homozygote) at a frequency of 0.0007925, which is approximately 26 times the estimated maximal expected allele frequency of a pathogenic SOS1 variant (0.00003), suggesting this variant is likely a benign polymorphism. Ths variant has been reported in affected individual and reported as a "disease-unrelated variant" by authors (Lepri_2011). In addition, multiple clinical diagnostic laboratories/reputable databases recently classified this variant as benign/VUS. Taken together, this variant is classified as benign.

Laboratory for Molecular Medicine, Mass General Brigham Personalized Medicine
Classification: Benign. Last evaluated: 2015-12-22. Review status: criteria provided, single submitter. Criteria: LMM Criteria. Collection method: clinical testing. Allele origin: germline. Observed: 6 variant alleles. Not counted in ClinVar's aggregate classification.
Comment: c.3391+7A>G in intron 21 of SOS1: This variant is not expected to have clinical significance because it is not located within the splice consensus sequence. It has been identified in 0.3% (41/16108) of South Asian chromosomes including one homozygous individual and 0.07% (45/65182) European chromosomes by the Exome Ag gregation Consortium (ExAC; dbSNP rs201982464).

Eurofins Ntd Llc (ga)
Classification: Uncertain significance. Last evaluated: 2015-01-19. Review status: criteria provided, single submitter. Criteria: EGL Classification Definitions 2015. Collection method: clinical testing. Allele origin: germline. Observed: 1 variant allele, 1 heterozygote. Not counted in ClinVar's aggregate classification.

GeneDx
Classification: Benign. Last evaluated: 2013-03-14. Review status: criteria provided, single submitter. Criteria: GeneDx Variant Classification (06012015). Collection method: clinical testing. Allele origin: germline. Affected: yes. Not counted in ClinVar's aggregate classification.
Comment: This variant is considered likely benign or benign based on one or more of the following criteria: it is a conservative change, it occurs at a poorly conserved position in the protein, it is predicted to be benign by multiple in silico algorithms, and/or has population frequency not consistent with disease.

PreventionGenetics, part of Exact Sciences
Classification: Benign. Review status: criteria provided, single submitter. Criteria: ACMG Guidelines, 2015. Collection method: clinical testing. Allele origin: germline. Not counted in ClinVar's aggregate classification.

Clinical Genetics DNA and cytogenetics Diagnostics Lab, Erasmus MC, Erasmus Medical Center
Classification: Likely benign. Review status: no assertion criteria provided. Collection method: clinical testing. Allele origin: germline. Affected: yes. Study: VKGL Data-share Consensus. Not counted in ClinVar's aggregate classification.

Genome Diagnostics Laboratory, Amsterdam University Medical Center
Classification: Likely benign. Review status: no assertion criteria provided. Collection method: clinical testing. Allele origin: germline. Affected: yes. Study: VKGL Data-share Consensus. Not counted in ClinVar's aggregate classification.

Genome Diagnostics Laboratory, University Medical Center Utrecht
Classification: Likely benign. Review status: no assertion criteria provided. Collection method: clinical testing. Allele origin: germline. Affected: yes. Study: VKGL Data-share Consensus. Not counted in ClinVar's aggregate classification.

Literature cited by the submitters: PubMed 21387466 (cited by Women's Health and Genetics/Laboratory Corporation of America, LabCorp and Laboratory for Molecular Medicine, Mass General Brigham Personalized Medicine).